The following is an entry in ClinVar:

NM_006785.4(MALT1):c.1454A>G (p.Asn485Ser)

Gene: MALT1 (MALT1 paracaspase; plus strand). Cytogenetic location: 18q21.32.
Variant type: single nucleotide variant.
Coding change: c.1454A>G on transcript NM_006785.4 (MANE Select); coding-DNA position 1454, A replaced by G.
Protein change: p.Asn485Ser; replaces asparagine 485 with serine.
Molecular consequence: missense variant.
Genome position (GRCh38, 1-based): chr18:58,734,360, A>G. VCF-style: chr18-58734360-A-G. GRCh37 (hg19) VCF-style: chr18-56401592-A-G.
Other names: c.1421A>G, p.Asn474Ser (NM_173844.3); short protein forms N474S, N485S.
Identifiers: ClinVar variation 4071538 (VCV004071538.1).

ClinVar aggregate classification (germline): Uncertain significance (1 of 4 stars; one submission).

Conditions:
Combined immunodeficiency due to MALT1 deficiency. Also called: Immunodeficiency 12. Identifiers: Orphanet 397964, MedGen C3809583, MONDO:0014197, OMIM 615468.

Submission:

Next Generation Genetic Polyclinic
Classification: Uncertain significance for Combined immunodeficiency due to MALT1 deficiency. Last evaluated: 2025-03-05. Review status: criteria provided, single submitter. Criteria: ACMG Guidelines, 2015. Collection method: curation. Allele origin: germline. Affected: yes. Observed: 1 variant allele.
Comment: The NM_006785.4:c.1454A>G (MALT1) variant leads to a missense substitution at a conserved position within the paracaspase domain, potentially affecting proteolytic activity or scaffold function essential for NF-κB signaling. However, current evidence is insufficient to determine its impact on protein function or disease causality. This variant is novel and not present in population databases (PM2_supporting). Computational predictions are uncertain regarding pathogenicity, and no published cases link this specific change to immunodeficiency phenotypes. Homozygosity raises interest in autosomal recessive inheritance, but further clinical, familial segregation, or functional data are lacking. Thus, it is classified as a Variant of Uncertain Significance (VUS) under ACMG criteria